The following is an entry in ClinVar:

ClinVar aggregate classification (germline): Conflicting classifications of pathogenicity. Review status: criteria provided, conflicting classifications (1 of 4 stars). 10 submissions from 8 submitters: Uncertain significance (4); Likely benign (3). 3 of the submissions do not count toward it. Last evaluated 2026-01-19.

Conditions:
Usher syndrome type 1 (USH1). Also called: RETINITIS PIGMENTOSA AND CONGENITAL DEAFNESS. Identifiers: Orphanet 231169, Orphanet 886, MedGen C1568247, MONDO:0010168, OMIM 276900.
Usher syndrome type 1B (USH1B). Also called: Usher syndrome type IB. Identifiers: MedGen C1848638, MONDO:0700087.
Autosomal recessive nonsyndromic hearing loss 2. Also called: DEAFNESS, AUTOSOMAL RECESSIVE 2; NEUROSENSORY NONSYNDROMIC RECESSIVE DEAFNESS 2. Identifiers: Orphanet 90636, MedGen C1838701, MONDO:0010807, OMIM 600060.
Autosomal dominant nonsyndromic hearing loss 11. Identifiers: Orphanet 90635, MedGen C1832475, MONDO:0011032, OMIM 601317.

Allele frequency attached by ClinVar (database versions not stated): gnomAD exomes 0.00023 and 0.00017; TOPMed 0.00010; ExAC 0.00015; gnomAD 0.00016.

Submissions (10):

Labcorp Genetics (formerly Invitae), Labcorp
Classification: Likely benign. Last evaluated: 2026-01-19. Review status: criteria provided, single submitter. Criteria: Invitae Variant Classification Sherloc (09022015). Collection method: clinical testing. Allele origin: germline.

Blueprint Genetics
Classification: Likely benign. Last evaluated: 2024-05-27. Review status: criteria provided, single submitter. Criteria: ACMG Guidelines, 2015. Collection method: clinical testing. Allele origin: germline.

Illumina Laboratory Services, Illumina
Classification: Uncertain significance for Usher syndrome type 1. Last evaluated: 2018-01-12. Review status: criteria provided, single submitter. Criteria: ICSL Variant Classification Criteria 13 December 2019. Collection method: clinical testing. Allele origin: germline.

Illumina Laboratory Services, Illumina
Classification: Uncertain significance for Autosomal dominant nonsyndromic hearing loss 11. Last evaluated: 2018-01-12. Review status: criteria provided, single submitter. Criteria: ICSL Variant Classification Criteria 13 December 2019. Collection method: clinical testing. Allele origin: germline.

Illumina Laboratory Services, Illumina
Classification: Uncertain significance for Autosomal recessive nonsyndromic hearing loss 2. Last evaluated: 2018-01-12. Review status: criteria provided, single submitter. Criteria: ICSL Variant Classification Criteria 13 December 2019. Collection method: clinical testing. Allele origin: germline.

GeneDx
Classification: Likely benign. Last evaluated: 2017-11-28. Review status: criteria provided, single submitter. Criteria: GeneDx Variant Classification (06012015). Collection method: clinical testing. Allele origin: germline. Affected: yes.
Comment: This variant is considered likely benign or benign based on one or more of the following criteria: it is a conservative change, it occurs at a poorly conserved position in the protein, it is predicted to be benign by multiple in silico algorithms, and/or has population frequency not consistent with disease.

Eurofins Ntd Llc (ga)
Classification: Uncertain significance. Last evaluated: 2015-10-20. Review status: criteria provided, single submitter. Criteria: EGL Classification Definitions 2015. Collection method: clinical testing. Allele origin: germline. Observed: 1 variant allele, 1 heterozygote.

Natera, Inc.
Classification: Likely benign for Usher syndrome type 1B. Last evaluated: 2020-02-12. Review status: no assertion criteria provided. Collection method: clinical testing. Allele origin: germline. Not counted in ClinVar's aggregate classification.

Clinical Genetics DNA and cytogenetics Diagnostics Lab, Erasmus MC, Erasmus Medical Center
Classification: Likely benign. Review status: no assertion criteria provided. Collection method: clinical testing. Allele origin: germline. Affected: yes. Study: VKGL Data-share Consensus. Not counted in ClinVar's aggregate classification.

Joint Genome Diagnostic Labs from Nijmegen and Maastricht, Radboudumc and MUMC+
Classification: Likely benign. Review status: no assertion criteria provided. Collection method: clinical testing. Allele origin: germline. Affected: yes. Study: VKGL Data-share Consensus. Not counted in ClinVar's aggregate classification.

NM_000260.4(MYO7A):c.5688G>A (p.Gln1896=)

Gene: MYO7A (myosin VIIA; plus strand). Cytogenetic location: 11q13.5.
Variant type: single nucleotide variant.
Coding change: c.5688G>A on transcript NM_000260.4 (MANE Select); coding-DNA position 5688, G replaced by A.
Protein change: p.Gln1896=; no amino-acid change (glutamine 1896 retained).
Molecular consequence: synonymous variant.
Genome position (GRCh38, 1-based): chr11:77,206,148, G>A. VCF-style: chr11-77206148-G-A. GRCh37 (hg19) VCF-style: chr11-76917193-G-A.
Other names: c.5574G>A, p.Gln1858= (NM_001127180.2); c.5541G>A, p.Gln1847= (NM_001369365.1).
Identifiers: ClinVar variation 283823 (VCV000283823.24), dbSNP rs570316231, ClinGen allele CA6198794.
Genomic context (GRCh38, chr11:77,206,148, plus strand): 5'-CCTTTTCAGAAACGGGTCCCGGAAGTACCCTCCGCACCTGGTGGAGGTGGAGGCCATCCA[G>A]CACAAGACCACCCAGATTTTCCACAAAGTCTACTTCCCTGATGACACTGACGAGGTGAGG-3'
Protein context (NP_000251.3, residues 1886-1906): PPHLVEVEAI[Gln1896=]HKTTQIFHKV